The following is an entry in ClinVar:

NM_000371.4(TTR):c.191T>C (p.Phe64Ser)

Gene: TTR (transthyretin; plus strand). Cytogenetic location: 18q12.1.
Variant type: single nucleotide variant.
Coding change: c.191T>C on transcript NM_000371.4 (MANE Select); coding-DNA position 191, T replaced by C.
Protein change: p.Phe64Ser; replaces phenylalanine 64 with serine.
Molecular consequence: missense variant.
Genome position (GRCh38, 1-based): chr18:31,593,017, T>C. VCF-style: chr18-31593017-T-C. GRCh37 (hg19) VCF-style: chr18-29172980-T-C.
Other names: F44S; short protein forms F64S.
Identifiers: ClinVar variation 13461 (VCV000013461.13), dbSNP rs104894665, ClinGen allele CA123116.
Genomic context (GRCh38, chr18:31,593,017, plus strand): 5'-CTGCCATCAATGTGGCCGTGCATGTGTTCAGAAAGGCTGCTGATGACACCTGGGAGCCAT[T>C]TGCCTCTGGGTAAGTTGCCAAAGAACCCTCCCACAGGACTTGGTTTTATCTTCCCGTTTG-3'
Protein context (NP_000362.1, residues 54-74): RKAADDTWEP[Phe64Ser]ASGKTSESGE

ClinVar aggregate classification (germline): Pathogenic/Likely pathogenic. Review status: criteria provided, multiple submitters, no conflicts (2 of 4 stars). 3 submissions from 3 submitters: Pathogenic (1); Likely pathogenic (1). 1 of the submissions does not count toward it. Last evaluated 2025-12-02.

Conditions:
Cardiovascular phenotype. Identifiers: MedGen CN230736.
Amyloidosis, hereditary systemic 1 (AMYLD1). Also called: Transthyretin Amyloidosis; Hereditary Transthyretin Amyloidosis; Isolated Cardiac Amyloidosis; Amyloid Cardiomyopathy, Transthyretin-related; Familial amyloid polyneuropathy; Hereditary oculoleptomeningeal amyloid angiopathy. Identifiers: Orphanet 85447, Orphanet 85451, MedGen C2751492, MONDO:0971004, OMIM 105210.

Submissions (3):

Ambry Genetics
Classification: Likely pathogenic for Cardiovascular phenotype. Last evaluated: 2025-12-02. Review status: criteria provided, single submitter. Criteria: Ambry Variant Classification Scheme 2023. Collection method: clinical testing. Allele origin: germline.
Comment: The p.F64S variant (also known as c.191T>C), located in coding exon 2 of the TTR gene, results from a T to C substitution at nucleotide position 191. The phenylalanine at codon 64 is replaced by serine, an amino acid with highly dissimilar properties. This variant was reported in individual(s) with features consistent with hereditary transthyretin amyloidosis (hATTR) (Klein CJ et al. Neurology, 1998 Nov;51:1462-4; Murakami A et al. Am. J. Ophthalmol., 2002 Feb;133:272-3; Tao M et al. Amyloid, 2022 Mar;29:69-70). Note, this variant is also referred to as p.F44S in the literature. Based on internal structural analysis, this variant is anticipated to result in a significant decrease in structural stability (Zanotti G et al. Eur. J. Biochem., 1995 Dec;234:563-9; Ambry internal data). This amino acid position is well conserved in available vertebrate species. In addition, this alteration is predicted to be deleterious by in silico analysis. This variant was not reported in population-based cohorts in the Genome Aggregation Database (gnomAD). Based on the majority of available evidence to date, this variant is likely to be pathogenic.

Labcorp Genetics (formerly Invitae), Labcorp
Classification: Pathogenic for Amyloidosis, hereditary systemic 1. Last evaluated: 2023-07-03. Review status: criteria provided, single submitter. Criteria: Invitae Variant Classification Sherloc (09022015). Collection method: clinical testing. Allele origin: germline.
Comment: This sequence change replaces phenylalanine, which is neutral and non-polar, with serine, which is neutral and polar, at codon 64 of the TTR protein (p.Phe64Ser). This variant is not present in population databases (gnomAD no frequency). This missense change has been observed in individual(s) with hereditary transthyretin-mediated amyloidosis (hATTR amyloidosis) (PMID: 9818883, 11812437, 11866053). This variant is also known as Phe44Ser. ClinVar contains an entry for this variant (Variation ID: 13461). Advanced modeling of protein sequence and biophysical properties (such as structural, functional, and spatial information, amino acid conservation, physicochemical variation, residue mobility, and thermodynamic stability) performed at Invitae indicates that this missense variant is expected to disrupt TTR protein function. This variant disrupts the p.Phe64 amino acid residue in TTR. Other variant(s) that disrupt this residue have been observed in individuals with TTR-related conditions (PMID: 14627687), which suggests that this may be a clinically significant amino acid residue. For these reasons, this variant has been classified as Pathogenic.

OMIM
Classification: Pathogenic for AMYLOIDOSIS, HEREDITARY, TRANSTHYRETIN-RELATED. Last evaluated: 2002-02-01. Review status: no assertion criteria provided. Collection method: literature only. Allele origin: germline. Not counted in ClinVar's aggregate classification.

Literature cited by the submitters: PubMed 34939525 (cited by Ambry Genetics); PubMed 4939525 (cited by Ambry Genetics); PubMed 9818883 (cited by 3 submitters); PubMed 11812437 (cited by Labcorp Genetics (formerly Invitae), Labcorp and OMIM); PubMed 11866053 (cited by Labcorp Genetics (formerly Invitae), Labcorp); PubMed 14627687 (cited by Labcorp Genetics (formerly Invitae), Labcorp).